The following is an entry in ClinVar:

NM_001330078.2(NRXN1):c.3139G>C (p.Glu1047Gln)

Gene: NRXN1 (neurexin 1; minus strand). Cytogenetic location: 2p16.3.
Variant type: single nucleotide variant.
Coding change: c.3139G>C on transcript NM_001330078.2 (MANE Select); coding-DNA position 3139, G replaced by C.
Protein change: p.Glu1047Gln; replaces glutamic acid 1047 with glutamine.
Molecular consequence: missense variant.
Genome position (GRCh38, 1-based): chr2:50,472,403, C>G on the plus strand (G>C on the coding strand, the complement: NRXN1 is on the minus strand). VCF-style: chr2-50472403-C-G. GRCh37 (hg19) VCF-style: chr2-50699541-C-G.
Other names: c.3259G>C, p.Glu1087Gln (NM_001135659.3); c.3115G>C, p.Glu1039Gln (NM_001330077.2, NM_001330082.2); c.3073G>C, p.Glu1025Gln (NM_001330083.2, NM_001330084.2); c.3112G>C, p.Glu1038Gln (NM_001330085.2); c.3139G>C, p.Glu1047Gln (NM_001330086.2, NM_004801.6); c.3028G>C, p.Glu1010Gln (NM_001330087.2, NM_001330096.2); c.3058G>C, p.Glu1020Gln (NM_001330088.2); c.3136G>C, p.Glu1046Gln (NM_001330093.2); and 2 more; short protein forms E1087Q, E1020Q, E1047Q, E1025Q, E1030Q, E1043Q, E1010Q, E1038Q.
Identifiers: ClinVar variation 896410 (VCV000896410.6), dbSNP rs1343492105, ClinGen allele CA346772436.

ClinVar aggregate classification (germline): Uncertain significance. Review status: criteria provided, multiple submitters, no conflicts (2 of 4 stars). 2 submissions from 2 submitters: Uncertain significance (2). Last evaluated 2024-09-01.

Conditions:
Pitt-Hopkins-like syndrome 2 (PTHSL2). Identifiers: Orphanet 221150, Orphanet 600663, MedGen C3280479, MONDO:0013690, OMIM 614325.

Allele frequency attached by ClinVar (database versions not stated): gnomAD exomes below 0.00001.
gnomAD v4.1: 1 of 1,612,254 alleles (0.000062%); highest among the groups gnomAD compares: Non-Finnish European, 0.000085%; no homozygotes.

Submissions (2):

Labcorp Genetics (formerly Invitae), Labcorp
Classification: Uncertain significance for Pitt-Hopkins-like syndrome 2. Last evaluated: 2024-09-01. Review status: criteria provided, single submitter. Criteria: Invitae Variant Classification Sherloc (09022015). Collection method: clinical testing. Allele origin: germline.
Comment: This sequence change replaces glutamic acid, which is acidic and polar, with glutamine, which is neutral and polar, at codon 1087 of the NRXN1 protein (p.Glu1087Gln). This variant is not present in population databases (gnomAD no frequency). This variant has not been reported in the literature in individuals affected with NRXN1-related conditions. ClinVar contains an entry for this variant (Variation ID: 896410). An algorithm developed to predict the effect of missense changes on protein structure and function (PolyPhen-2) suggests that this variant is likely to be disruptive. In summary, the available evidence is currently insufficient to determine the role of this variant in disease. Therefore, it has been classified as a Variant of Uncertain Significance.

Illumina Laboratory Services, Illumina
Classification: Uncertain significance for Pitt-Hopkins-like syndrome 2. Last evaluated: 2017-09-18. Review status: criteria provided, single submitter. Criteria: ICSL Variant Classification Criteria 13 December 2019. Collection method: clinical testing. Allele origin: germline.